The following is an entry in ClinVar:

NM_198578.4(LRRK2):c.875A>G (p.His292Arg)

Gene: LRRK2 (leucine rich repeat kinase 2; plus strand). Cytogenetic location: 12q12.
Variant type: single nucleotide variant.
Coding change: c.875A>G on transcript NM_198578.4 (MANE Select); coding-DNA position 875, A replaced by G.
Protein change: p.His292Arg; replaces histidine 292 with arginine.
Molecular consequence: missense variant.
Genome position (GRCh38, 1-based): chr12:40,249,862, A>G. VCF-style: chr12-40249862-A-G. GRCh37 (hg19) VCF-style: chr12-40643664-A-G.
Other names: short protein forms H292R.
Identifiers: ClinVar variation 3540552 (VCV003540552.1).
Genomic context (GRCh38, chr12:40,249,862, plus strand): 5'-GCTAATGTTTCACTTAACTTTTAGGTAATTTTTTCAATATCCTGGTATTAAACGAAGTCC[A>G]TGAGTTTGTGGTGAAAGCTGTGCAGCAGTACCCAGAGAATGCAGCATTGCAGATCTCAGC-3'
Protein context (NP_940980.4, residues 282-302): FFNILVLNEV[His292Arg]EFVVKAVQQY

ClinVar aggregate classification (germline): Uncertain significance (1 of 4 stars; one submission).

Conditions:
Inborn genetic diseases. Identifiers: MedGen C0950123, MeSH D030342.

gnomAD v4.1: 2 of 1,613,874 alleles (0.00012%); highest among the groups gnomAD compares: South Asian, 0.0011%; no homozygotes.

Submission:

Ambry Genetics
Classification: Uncertain significance for Inborn genetic diseases. Last evaluated: 2024-09-26. Review status: criteria provided, single submitter. Criteria: Ambry Variant Classification Scheme 2023. Collection method: clinical testing. Allele origin: germline.
Comment: The p.H292R variant (also known as c.875A>G), located in coding exon 8 of the LRRK2 gene, results from an A to G substitution at nucleotide position 875. The histidine at codon 292 is replaced by arginine, an amino acid with highly similar properties. This amino acid position is conserved. In addition, the in silico prediction for this alteration is inconclusive. Based on the available evidence, the clinical significance of this variant remains unclear.